The following is an entry in ClinVar:

ClinVar aggregate classification (germline): Uncertain significance (1 of 4 stars; one submission).

Conditions:
Gorlin syndrome. Also called: Nevoid Basal Cell Carcinoma Syndrome; Basal cell nevus syndrome. Identifiers: Orphanet 377, MedGen C0004779, MONDO:0007187.

gnomAD v4.1: 4 of 1,613,952 alleles (0.00025%); highest among the groups gnomAD compares: Non-Finnish European, 0.00034%; no homozygotes.

Submission:

Labcorp Genetics (formerly Invitae), Labcorp
Classification: Uncertain significance for Gorlin syndrome. Last evaluated: 2025-12-07. Review status: criteria provided, single submitter. Criteria: Invitae Variant Classification Sherloc (09022015). Collection method: clinical testing. Allele origin: germline.
Comment: This sequence change replaces glycine, which is neutral and non-polar, with glutamic acid, which is acidic and polar, at codon 1443 of the PTCH1 protein (p.Gly1443Glu). This variant is not present in population databases (gnomAD no frequency). This variant has not been reported in the literature in individuals affected with PTCH1-related conditions. Invitae Evidence Modeling of protein sequence and biophysical properties (such as structural, functional, and spatial information, amino acid conservation, physicochemical variation, residue mobility, and thermodynamic stability) indicates that this missense variant is not expected to disrupt PTCH1 protein function with a negative predictive value of 95%. In summary, the available evidence is currently insufficient to determine the role of this variant in disease. Therefore, it has been classified as a Variant of Uncertain Significance.

NM_000264.5(PTCH1):c.4328G>A (p.Gly1443Glu)

Gene: PTCH1 (patched 1; minus strand). Cytogenetic location: 9q22.32.
Variant type: single nucleotide variant.
Coding change: c.4328G>A on transcript NM_000264.5 (MANE Select); coding-DNA position 4328, G replaced by A.
Protein change: p.Gly1443Glu; replaces glycine 1443 with glutamic acid.
Molecular consequence: missense variant. On other transcripts: non-coding transcript variant (1).
Genome position (GRCh38, 1-based): chr9:95,446,928, C>T on the plus strand (G>A on the coding strand, the complement: PTCH1 is on the minus strand). VCF-style: chr9-95446928-C-T. GRCh37 (hg19) VCF-style: chr9-98209210-C-T.
Other names: c.4130G>A, p.Gly1377Glu (NM_001083602.3); c.4325G>A, p.Gly1442Glu (NM_001083603.3); c.3875G>A, p.Gly1292Glu (NM_001083604.3, NM_001083605.3, NM_001083606.3 and 1 more transcripts); c.4172G>A, p.Gly1391Glu (NM_001354918.2); short protein forms G1292E, G1377E, G1443E, G1391E, G1442E.
Identifiers: ClinVar variation 4749407 (VCV004749407.1).